The following is an entry in ClinVar:

NM_005529.7(HSPG2):c.8065G>A (p.Ala2689Thr)

Gene: HSPG2 (heparan sulfate proteoglycan 2; minus strand). Cytogenetic location: 1p36.12.
Variant type: single nucleotide variant.
Coding change: c.8065G>A on transcript NM_005529.7 (MANE Select); coding-DNA position 8065, G replaced by A.
Protein change: p.Ala2689Thr; replaces alanine 2689 with threonine.
Molecular consequence: missense variant.
Genome position (GRCh38, 1-based): chr1:21,847,453, C>T on the plus strand (G>A on the coding strand, the complement: HSPG2 is on the minus strand). VCF-style: chr1-21847453-C-T. GRCh37 (hg19) VCF-style: chr1-22173946-C-T.
Other names: c.8068G>A, p.Ala2690Thr (NM_001291860.2); c.8065G>A (NM_005529.5); short protein forms A2690T, A2689T.
Identifiers: ClinVar variation 1346124 (VCV001346124.7), dbSNP rs374344231, ClinGen allele CA670935.
Genomic context (GRCh38, chr1:21,847,453, plus strand): 5'-TGGAGGCCTCCAGGGCATCGATGTTGTTGTTGGCCCGGCACACATACTCGCCCGAGTCAG[C>T]CACAGACATTTGGTGCAACCGCAGGTGGGAGCCATGGGTCTGGACGTGCGGATGGGGAAG-3'
Protein context (NP_005520.4, residues 2679-2699): SHLRLHQMSV[Ala2689Thr]DSGEYVCRAN

ClinVar aggregate classification (germline): Uncertain significance. Review status: criteria provided, multiple submitters, no conflicts (2 of 4 stars). 2 submissions from 2 submitters: Uncertain significance (2). Last evaluated 2024-09-27.

Conditions:
Inborn genetic diseases. Identifiers: MedGen C0950123, MeSH D030342.

Allele frequency attached by ClinVar (database versions not stated): gnomAD exomes below 0.00001 and 0.00001; ExAC 0.00002; gnomAD 0.00003 and 0.00004; ESP Exome Variant Server 0.00008.
gnomAD v4.1: 10 of 1,613,828 alleles (0.00062%); highest among the groups gnomAD compares: African/African-American, 0.013%; no homozygotes.

Submissions (2):

Ambry Genetics
Classification: Uncertain significance for Inborn genetic diseases. Last evaluated: 2024-09-27. Review status: criteria provided, single submitter. Criteria: Ambry Variant Classification Scheme 2023. Collection method: clinical testing. Allele origin: germline.

Labcorp Genetics (formerly Invitae), Labcorp
Classification: Uncertain significance. Last evaluated: 2021-04-17. Review status: criteria provided, single submitter. Criteria: Invitae Variant Classification Sherloc (09022015). Collection method: clinical testing. Allele origin: germline.
Comment: In summary, the available evidence is currently insufficient to determine the role of this variant in disease. Therefore, it has been classified as a Variant of Uncertain Significance. Algorithms developed to predict the effect of missense changes on protein structure and function are either unavailable or do not agree on the potential impact of this missense change (SIFT: "Deleterious"; PolyPhen-2: "Possibly Damaging"; Align-GVGD: "Class C0"). This variant has not been reported in the literature in individuals with HSPG2-related conditions. This variant is present in population databases (rs374344231, ExAC 0.03%). This sequence change replaces alanine with threonine at codon 2689 of the HSPG2 protein (p.Ala2689Thr). The alanine residue is moderately conserved and there is a small physicochemical difference between alanine and threonine.